The following is an entry in ClinVar:

ClinVar aggregate classification (germline): Pathogenic (1 of 4 stars; one submission).

Conditions:
Neurodevelopmental disorder. Identifiers: MedGen C1535926, MeSH D065886, MONDO:0700092.

Submission:

Laboratory of Molecular Genetics (Pr. Bezieau's lab), CHU de Nantes
Classification: Pathogenic for Neurodevelopmental disorder. Last evaluated: 2026-05-27. Review status: criteria provided, single submitter. Criteria: ACMG Guidelines, 2015. Collection method: clinical testing. Allele origin: de novo. Inheritance: Autosomal dominant inheritance. Affected: yes. Observed: 1 variant allele, 1 heterozygote.
Comment: Evidence for loss of function/haploinsufficiency being pathogenic in PMID: 41415500. ACMG criteria: PVS1, PS2, PM2. Protein change: p.(Gln312Argfs*31).

Literature cited by the submitters: PubMed 41415500.

NM_006196.4(PCBP1):c.934del (p.Gln312fs)

Genes: PCBP1 (poly(rC) binding protein 1; plus strand), LOC106783504 (conserved acetylation island sequence C15 enhancer; plus strand). Cytogenetic location: 2p13.3.
Variant type: Deletion.
Coding change: c.934del on transcript NM_006196.4 (MANE Select); coding-DNA position 934, one base deleted (C; older notation c.934delC).
Protein change: p.Gln312fs; shifts the reading frame from glutamine 312.
Molecular consequence: frameshift variant.
Genome position (GRCh38, 1-based): chr2:70,088,677, C deleted; the last of 3 consecutive C bases (chr2:70,088,675-70,088,677); deleting any one gives the same sequence. VCF-style (leftmost placement, unchanged base first): chr2-70088674-GC-G. GRCh37 (hg19) VCF-style: chr2-70315806-GC-G.
Other names: short protein forms Q312fs.
Identifiers: ClinVar variation 4852565 (VCV004852565.1).
Genomic context (GRCh38, chr2:70,088,674, plus strand): 5'-ATTGGCTGCATAATCGGGCGCCAAGGCGCCAACATTAATGAGATCCGCCAGATGTCCGGG[GC>G]CCAGATCAAAATTGCCAACCCAGTGGAAGGCTCCTCTGGTAGGCAGGTTACTATCACTGG-3'